The following is an entry in ClinVar:

ClinVar aggregate classification (germline): Benign/Likely benign. Review status: criteria provided, multiple submitters, no conflicts (2 of 4 stars). 3 submissions from 3 submitters: Benign (1); Likely benign (1). 1 of the submissions does not count toward it. Last evaluated 2025-06-09.

Conditions:
KAT6A-related disorder. Also called: KAT6A-related condition.
Inborn genetic diseases. Identifiers: MedGen C0950123, MeSH D030342.

Allele frequency attached by ClinVar (database versions not stated): TOPMed 0.00008; ExAC 0.00021; ESP Exome Variant Server 0.00023; gnomAD 0.00027 and 0.00030; gnomAD exomes 0.00028 and 0.00031.
gnomAD v4.1: 501 of 1,614,004 alleles (0.031%); highest among the groups gnomAD compares: Non-Finnish European, 0.031%; no homozygotes.

Submissions (3):

Labcorp Genetics (formerly Invitae), Labcorp
Classification: Benign. Last evaluated: 2025-06-09. Review status: criteria provided, single submitter. Criteria: Invitae Variant Classification Sherloc (09022015). Collection method: clinical testing. Allele origin: germline.

Ambry Genetics
Classification: Likely benign for Inborn genetic diseases. Last evaluated: 2017-03-09. Review status: criteria provided, single submitter. Criteria: Ambry Variant Classification Scheme 2023. Collection method: clinical testing. Allele origin: germline.

PreventionGenetics, part of Exact Sciences
Classification: Likely benign for KAT6A-related condition. Last evaluated: 2019-12-04. Review status: no assertion criteria provided. Collection method: clinical testing. Allele origin: germline. Not counted in ClinVar's aggregate classification.
Comment: This variant is classified as likely benign based on ACMG/AMP sequence variant interpretation guidelines (Richards et al. 2015 PMID: 25741868, with internal and published modifications).

NM_006766.5(KAT6A):c.2760G>C (p.Leu920=)

Gene: KAT6A (lysine acetyltransferase 6A; minus strand). Cytogenetic location: 8p11.21.
Variant type: single nucleotide variant.
Coding change: c.2760G>C on transcript NM_006766.5 (MANE Select); coding-DNA position 2760, G replaced by C.
Protein change: p.Leu920=; no amino-acid change (leucine 920 retained).
Molecular consequence: synonymous variant.
Genome position (GRCh38, 1-based): chr8:41,941,121, C>G on the plus strand (G>C on the coding strand, the complement: KAT6A is on the minus strand). VCF-style: chr8-41941121-C-G. GRCh37 (hg19) VCF-style: chr8-41798639-C-G.
Other names: c.2760G>C (NM_006766.4).
Identifiers: ClinVar variation 589558 (VCV000589558.12), dbSNP rs200864330, ClinGen allele CA4729847.
Genomic context (GRCh38, chr8:41,941,121, plus strand): 5'-GAGTCTTCTCTTGGGAAGGTCAGGTTTCCCGTCCTGGCTTGGCTGCTCCTCAGAAGCCAC[C>G]AGCTGTTCTTCACTTTCAGTGTATTGTTCCTGGGTGGCTTCTGATTTCTCCCCACATTCT-3'
Protein context (NP_006757.2, residues 910-930): QEQYTESEEQ[Leu920=]VASEEQPSQD